The following is an entry in ClinVar:

NM_005120.3(MED12):c.1952GCA[4] (p.Ser655del)

Gene: MED12 (mediator complex subunit 12; plus strand). Cytogenetic location: Xq13.1.
Variant type: Microsatellite.
Coding change: c.1952GCA[4] on transcript NM_005120.3 (MANE Select); four copies in a row of the 3-base unit GCA starting at c.1952; the reference has five copies in a row; one copy, 3 bases deleted; also written c.1964_1966del.
Protein change: p.Ser655del; deletes serine 655.
Molecular consequence: inframe deletion.
Genome position (GRCh38, 1-based): chrX:71,124,378-71,124,380, GCA deleted; deleting any 3 consecutive bases within chrX:71,124,366-71,124,380 gives the same sequence; the position shown is the placement nearest the transcript's 3' end. VCF-style (leftmost placement, unchanged base first): chrX-71124365-GGCA-G. GRCh37 (hg19) VCF-style: chrX-70344215-GGCA-G.
Other names: c.1964_1966del (NM_005120.3); short protein forms S655del.
Identifiers: ClinVar variation 2862308 (VCV002862308.5), dbSNP rs752904587, ClinGen allele CA10444266.

ClinVar aggregate classification (germline): Uncertain significance. Review status: criteria provided, multiple submitters, no conflicts (2 of 4 stars). 2 submissions from 2 submitters: Uncertain significance (2). Last evaluated 2025-09-30.

Conditions:
FG syndrome (FGS). Identifiers: MedGen C0220769, MONDO:0002010.

Submissions (2):

Dasa
Classification: Uncertain significance. Last evaluated: 2025-09-30. Review status: criteria provided, single submitter. Criteria: DASA Assertion Criteria. Collection method: clinical testing. Allele origin: germline.
Comment: NM_005120.3(MED12):c.1964_1966del (p.Ser655del) is an in-frame deletion predicted to remove serine at protein position 655 without shifting the reading frame. This variant is rare in population databases. The currently available literature and clinical evidence are not sufficient to establish a definitive association between this variant and the reported condition. Therefore, this variant is classified as a variant of uncertain significance.

Labcorp Genetics (formerly Invitae), Labcorp
Classification: Uncertain significance for FG syndrome. Last evaluated: 2023-11-19. Review status: criteria provided, single submitter. Criteria: Invitae Variant Classification Sherloc (09022015). Collection method: clinical testing. Allele origin: germline.
Comment: This variant, c.1964_1966del, results in the deletion of 1 amino acid(s) of the MED12 protein (p.Ser655del), but otherwise preserves the integrity of the reading frame. The frequency data for this variant in the population databases is considered unreliable, as metrics indicate poor data quality at this position in the gnomAD database. This variant has not been reported in the literature in individuals affected with MED12-related conditions. Experimental studies and prediction algorithms are not available or were not evaluated, and the functional significance of this variant is currently unknown. In summary, the available evidence is currently insufficient to determine the role of this variant in disease. Therefore, it has been classified as a Variant of Uncertain Significance.